The following is an entry in ClinVar:

NM_001365902.3(NFIX):c.818+1G>A

Gene: NFIX (nuclear factor I X; plus strand). Cytogenetic location: 19p13.13.
Variant type: single nucleotide variant.
Coding change: c.818+1G>A on transcript NM_001365902.3 (MANE Select); the canonical splice donor site of the intron after coding-DNA position 818, G replaced by A.
Molecular consequence: splice donor variant.
Genome position (GRCh38, 1-based): chr19:13,074,027, G>A. VCF-style: chr19-13074027-G-A. GRCh37 (hg19) VCF-style: chr19-13184841-G-A.
Other names: c.818+1G>A (NM_002501.4, NM_001365982.2); c.794+1G>A (NM_001378404.1, NM_001271044.3); c.866+1G>A (NM_001378405.1); c.677+1G>A (NM_001365983.2); c.842+1G>A (NM_001271043.2); c.815+1G>A (NM_001365984.2, NM_001365985.2).
Identifiers: ClinVar variation 928739 (VCV000928739.3), dbSNP rs2016923973, ClinGen allele CA404296282.

ClinVar aggregate classification (germline): Likely pathogenic. Review status: criteria provided, multiple submitters, no conflicts (2 of 4 stars). 3 submissions from 3 submitters: Likely pathogenic (3). Last evaluated 2023-03-23.

Conditions:
Malan overgrowth syndrome (MALNS). Also called: MALAN SYNDROME; Sotos syndrome 2; NFIX-Related Malan Syndrome. Identifiers: Orphanet 420179, MedGen C3553660, MONDO:0013885, OMIM 614753.
NFIX-related disorder. Also called: NFIX-related condition.

Submissions (3):

Institute of Human Genetics, Cologne University
Classification: Likely pathogenic for Malan overgrowth syndrome. Last evaluated: 2023-03-23. Review status: criteria provided, single submitter. Criteria: ACMG Guidelines, 2015. Collection method: clinical testing. Allele origin: germline. Affected: yes.

Women's Health and Genetics/Laboratory Corporation of America, LabCorp
Classification: Likely pathogenic for Sotos syndrome 2. Last evaluated: 2019-10-09. Review status: criteria provided, single submitter. Criteria: LabCorp Variant Classification Summary - May 2015. Collection method: clinical testing. Allele origin: germline.
Comment: Variant summary: NFIX c.818+1G>A is located in a canonical splice-site and is predicted to affect mRNA splicing resulting in a significantly altered protein due to either exon skipping, shortening, or inclusion of intronic material. Several computational tools predict a significant impact on normal splicing: Five predict the variant abolishes a 5 splicing donor site. However, these predictions have yet to be confirmed by functional studies. The variant was absent in 249032 control chromosomes (gnomAD). To our knowledge, no occurrence of c.818+1G>A in individuals affected with Sotos syndrome 2 and no experimental evidence demonstrating its impact on protein function have been reported. No clinical diagnostic laboratories have submitted clinical-significance assessments for this variant to ClinVar after 2014. Based on the evidence outlined above, the variant was classified as likely pathogenic.

Blueprint Genetics
Classification: Likely pathogenic for NFIX-related disorders. Last evaluated: 2019-07-12. Review status: criteria provided, single submitter. Criteria: ACMG Guidelines, 2015. Collection method: clinical testing. Allele origin: germline. Affected: yes. Observed: 1 variant allele.